The following is an entry in ClinVar:

ClinVar aggregate classification (germline): Uncertain significance. Review status: criteria provided, multiple submitters, no conflicts (2 of 4 stars). 3 submissions from 3 submitters: Uncertain significance (3). Last evaluated 2025-09-17.

Conditions:
Myofibrillar myopathy 5. Also called: Filaminopathy (type); FILAMINOPATHY, AUTOSOMAL DOMINANT. Identifiers: Orphanet 171445, MedGen C1836050, MONDO:0012289, OMIM 609524.
Hypertrophic cardiomyopathy 26. Also called: Cardiomyopathy, familial hypertrophic, 26. Identifiers: Orphanet 75249, MedGen C4310749, MONDO:0014883, OMIM 617047.
Distal myopathy with posterior leg and anterior hand involvement. Also called: WILLIAMS DISTAL MYOPATHY. Identifiers: Orphanet 63273, MedGen C3279722, MONDO:0013550, OMIM 614065.
FLNC-related disorder. Also called: FLNC-related disorders; FLNC-related condition.
Cardiovascular phenotype. Identifiers: MedGen CN230736.

Allele frequency attached by ClinVar (database versions not stated): ExAC 0.00001; TOPMed 0.00002.
gnomAD v4.1: 3 of 1,612,910 alleles (0.00019%); highest among the groups gnomAD compares: Non-Finnish European, 0.00017%; no homozygotes.

Submissions (3):

PreventionGenetics, part of Exact Sciences
Classification: Uncertain significance for FLNC-related condition. Last evaluated: 2025-09-17. Review status: criteria provided, single submitter. Criteria: ACMG Guidelines, 2015. Collection method: clinical testing. Allele origin: germline.
Comment: The FLNC c.6617G>A variant is predicted to result in the amino acid substitution p.Arg2206Gln. This variant has been reported, along with a truncating TTN variant, in a family with dilated cardiomyopathy (Table S2, Cuenca et al. 2016. PubMed ID: 26899768). This variant has not been reported in a large population database (gnomAD), indicating this variant is rare. At this time, the clinical significance of this variant is uncertain due to the absence of conclusive functional and genetic evidence.

Labcorp Genetics (formerly Invitae), Labcorp
Classification: Uncertain significance for Distal myopathy with posterior leg and anterior hand involvement; Myofibrillar myopathy 5; Hypertrophic cardiomyopathy 26. Last evaluated: 2025-02-19. Review status: criteria provided, single submitter. Criteria: Invitae Variant Classification Sherloc (09022015). Collection method: clinical testing. Allele origin: germline.
Comment: This sequence change replaces arginine, which is basic and polar, with glutamine, which is neutral and polar, at codon 2206 of the FLNC protein (p.Arg2206Gln). This variant is present in population databases (rs781671804, gnomAD 0.005%). This variant has not been reported in the literature in individuals affected with FLNC-related conditions. ClinVar contains an entry for this variant (Variation ID: 1045370). An algorithm developed to predict the effect of missense changes on protein structure and function (PolyPhen-2) suggests that this variant is likely to be tolerated. In summary, the available evidence is currently insufficient to determine the role of this variant in disease. Therefore, it has been classified as a Variant of Uncertain Significance.

Ambry Genetics
Classification: Uncertain significance for Cardiovascular phenotype. Last evaluated: 2023-06-09. Review status: criteria provided, single submitter. Criteria: Ambry Variant Classification Scheme 2023. Collection method: clinical testing. Allele origin: germline.
Comment: The p.R2206Q variant (also known as c.6617G>A), located in coding exon 40 of the FLNC gene, results from a G to A substitution at nucleotide position 6617. The arginine at codon 2206 is replaced by glutamine, an amino acid with highly similar properties. This variant co-occurred with a truncating variant in the TTN gene in a family with dilated cardiomyopathy and myopathy (Cuenca S et al. J Heart Lung Transplant, 2016 May;35:625-35). This amino acid position is highly conserved in available vertebrate species. In addition, the in silico prediction for this alteration is inconclusive. Since supporting evidence is limited at this time, the clinical significance of this alteration remains unclear.

Literature cited by the submitters: PubMed 26899768 (cited by Ambry Genetics).

NM_001458.5(FLNC):c.6617G>A (p.Arg2206Gln)

Genes: FLNC (filamin C; plus strand), FLNC-AS1 (FLNC antisense RNA 1; minus strand). Cytogenetic location: 7q32.1.
Variant type: single nucleotide variant.
Coding change: c.6617G>A on transcript NM_001458.5 (MANE Select); coding-DNA position 6617, G replaced by A.
Protein change: p.Arg2206Gln; replaces arginine 2206 with glutamine.
Molecular consequence: missense variant.
Genome position (GRCh38, 1-based): chr7:128,854,106, G>A. VCF-style: chr7-128854106-G-A. GRCh37 (hg19) VCF-style: chr7-128494160-G-A.
Other names: c.6617G>A (NM_001458.4); c.6518G>A, p.Arg2173Gln (NM_001127487.2); short protein forms R2173Q, R2206Q.
Identifiers: ClinVar variation 1045370 (VCV001045370.14), dbSNP rs781671804, ClinGen allele CA4476034.
Genomic context (GRCh38, chr7:128,854,106, plus strand): 5'-CCCGCACGGAGCGCACGGAGATCAGCAAGACGCGGGGCGGGGAGACAAAGCGCGAGGTGC[G>A]GGTGGAGGAGTCCACCCAGGTCGGCGGGGACCCCTTCCCTGCTGTGTTTGGGGACTTCCT-3'
Protein context (NP_001449.3, residues 2196-2216): TRGGETKREV[Arg2206Gln]VEESTQVGGD